The following is an entry in ClinVar:

NM_052947.4(ALPK2):c.2459A>T (p.Asp820Val)

Gene: ALPK2 (alpha kinase 2; minus strand). Cytogenetic location: 18q21.31.
Variant type: single nucleotide variant.
Coding change: c.2459A>T on transcript NM_052947.4 (MANE Select); coding-DNA position 2459, A replaced by T.
Protein change: p.Asp820Val; replaces aspartic acid 820 with valine.
Molecular consequence: missense variant.
Genome position (GRCh38, 1-based): chr18:58,537,728, T>A on the plus strand (A>T on the coding strand, the complement: ALPK2 is on the minus strand). VCF-style: chr18-58537728-T-A. GRCh37 (hg19) VCF-style: chr18-56204960-T-A.
Other names: short protein forms D820V.
Identifiers: ClinVar variation 1791588 (VCV001791588.2), dbSNP rs753521190, ClinGen allele CA8977072.

ClinVar aggregate classification (germline): Uncertain significance (1 of 4 stars; one submission).

Allele frequency attached by ClinVar (database versions not stated): gnomAD exomes below 0.00001; ExAC 0.00001.
gnomAD v4.1: 2 of 1,614,140 alleles (0.00012%); highest among the groups gnomAD compares: Non-Finnish European, 0.000085%; no homozygotes.

Submission:

Ambry Genetics
Classification: Uncertain significance. Last evaluated: 2024-01-13. Review status: criteria provided, single submitter. Criteria: Ambry Variant Classification Scheme 2023. Collection method: clinical testing. Allele origin: germline.
Comment: The p.D820V variant (also known as c.2459A>T), located in coding exon 4 of the ALPK2 gene, results from an A to T substitution at nucleotide position 2459. The aspartic acid at codon 820 is replaced by valine, an amino acid with highly dissimilar properties. This amino acid position is conserved. In addition, this alteration is predicted to be tolerated by in silico analysis. Since supporting evidence is limited at this time, the clinical significance of this alteration remains unclear.